The following is an entry in ClinVar:

Conditions:
Breast-ovarian cancer, familial, susceptibility to, 1 (BROVCA1). Also called: BRCA1 Hereditary Breast and Ovarian Cancer; OVARIAN CANCER, SUSCEPTIBILITY TO. Identifiers: Orphanet 145, MedGen C2676676, MONDO:0011450, OMIM 604370. Disease mechanism: loss of function.

Submission:

Brotman Baty Institute, University of Washington
No classification provided (evidence only). Condition: Breast-ovarian cancer, familial 1. Review status: no classification provided. Collection method: in vitro. Allele origin: not applicable. Functional consequence: functionally_normal.
ClinVar note: "not provided" was previously submitted as the classification for the variant. However, the classification appeared to be based only on an observation of functional data so it was converted to no classification on 2025-07-30.

NM_007294.4(BRCA1):c.5326C>G (p.Pro1776Ala)

Gene: BRCA1 (BRCA1 DNA repair associated; minus strand). Cytogenetic location: 17q21.31.
Variant type: single nucleotide variant.
Coding change: c.5326C>G on transcript NM_007294.4 (MANE Select); coding-DNA position 5326, C replaced by G.
Protein change: p.Pro1776Ala; replaces proline 1776 with alanine.
Molecular consequence: missense variant. On other transcripts: non-coding transcript variant (1).
Genome position (GRCh38, 1-based): chr17:43,051,069, G>C on the plus strand (C>G on the coding strand, the complement: BRCA1 is on the minus strand). VCF-style: chr17-43051069-G-C. GRCh37 (hg19) VCF-style: chr17-41203086-G-C.
Other names: c.5182C>G, p.Pro1728Ala (NM_001407732.1, NM_001407733.1, NM_001407734.1 and 21 more transcripts); c.1894C>G, p.Pro632Ala (NM_001408427.1, NM_001408428.1, NM_001408429.1 and 4 more transcripts); c.1891C>G, p.Pro631Ala (NM_001408432.1, NM_001408433.1, NM_001408434.1 and 10 more transcripts); c.1888C>G, p.Pro630Ala (NM_001408446.1, NM_001408447.1, NM_001408448.1 and 2 more transcripts); c.1882C>G, p.Pro628Ala (NM_001408451.1); c.1876C>G, p.Pro626Ala (NM_001408452.1, NM_001408453.1, NM_001408454.1 and 3 more transcripts); c.5113C>G, p.Pro1705Ala (NM_001407571.1, NM_001407894.1, NM_001407895.1 and 12 more transcripts); c.5392C>G, p.Pro1798Ala (NM_001407581.1, NM_001407582.1); and 72 more; short protein forms P1776A, P1729A, P1797A, P672A, P1479A, P1647A, P1648A, P1664A.
Identifiers: ClinVar variation 865308 (VCV000865308.3), dbSNP rs1800757, ClinGen allele CA10590898.